The following is an entry in ClinVar:

NM_133259.4(LRPPRC):c.4011dup (p.Lys1338Ter)

Gene: LRPPRC (leucine rich pentatricopeptide repeat containing; minus strand). Cytogenetic location: 2p21.
Variant type: Duplication.
Coding change: c.4011dup on transcript NM_133259.4 (MANE Select); coding-DNA position 4011, one base duplicated (T; older notation c.4011dupT).
Protein change: p.Lys1338Ter; replaces lysine 1338 with a stop codon.
Molecular consequence: nonsense.
Genome position (GRCh38, 1-based): chr2:43,889,851, A duplicated on the plus strand (T on the coding strand, the reverse complement: LRPPRC is on the minus strand). VCF-style (leftmost placement, unchanged base first): chr2-43889850-T-TA. GRCh37 (hg19) VCF-style: chr2-44116989-T-TA.
Other names: short protein forms K1338*.
Identifiers: ClinVar variation 970690 (VCV000970690.8), dbSNP rs1670422432, ClinGen allele CA1139656918.

ClinVar aggregate classification (germline): Pathogenic/Likely pathogenic. Review status: criteria provided, multiple submitters, no conflicts (2 of 4 stars). 2 submissions from 2 submitters: Pathogenic (1); Likely pathogenic (1). Last evaluated 2024-05-24.

Conditions:
Congenital lactic acidosis, Saguenay-Lac-Saint-Jean type (MC4DN5). Also called: CYTOCHROME c OXIDASE DEFICIENCY, FRENCH CANADIAN TYPE; COX DEFICIENCY, FRENCH CANADIAN TYPE; MITOCHONDRIAL COMPLEX IV DEFICIENCY, NUCLEAR TYPE 5. Identifiers: Orphanet 70472, MedGen C1857355, MONDO:0009069, OMIM 220111.

Submissions (2):

Fulgent Genetics
Classification: Likely pathogenic for Congenital lactic acidosis, Saguenay-Lac-Saint-Jean type. Last evaluated: 2024-05-24. Review status: criteria provided, single submitter. Criteria: ACMG Guidelines, 2015. Collection method: clinical testing. Allele origin: germline.

Labcorp Genetics (formerly Invitae), Labcorp
Classification: Pathogenic. Last evaluated: 2019-10-25. Review status: criteria provided, single submitter. Criteria: Invitae Variant Classification Sherloc (09022015). Collection method: clinical testing. Allele origin: germline.
Comment: For these reasons, this variant has been classified as Pathogenic. Loss-of-function variants in LRPPRC are known to be pathogenic (PMID: 26510951). This variant has not been reported in the literature in individuals with LRPPRC-related conditions. This variant is not present in population databases (ExAC no frequency). This sequence change creates a premature translational stop signal (p.Lys1338*) in the LRPPRC gene. It is expected to result in an absent or disrupted protein product.

Literature cited by the submitters: PubMed 26510951 (cited by Labcorp Genetics (formerly Invitae), Labcorp).